The following is an entry in ClinVar:

NM_032273.4(TMEM126A):c.492G>C (p.Leu164Phe)

Gene: TMEM126A (transmembrane protein 126A; plus strand). Cytogenetic location: 11q14.1.
Variant type: single nucleotide variant.
Coding change: c.492G>C on transcript NM_032273.4 (MANE Select); coding-DNA position 492, G replaced by C.
Protein change: p.Leu164Phe; replaces leucine 164 with phenylalanine.
Molecular consequence: missense variant.
Genome position (GRCh38, 1-based): chr11:85,656,405, G>C. VCF-style: chr11-85656405-G-C. GRCh37 (hg19) VCF-style: chr11-85367449-G-C.
Other names: c.282G>C, p.Leu94Phe (NM_001244735.2); short protein forms L164F, L94F.
Identifiers: ClinVar variation 1474268 (VCV001474268.6), dbSNP rs140123526, ClinGen allele CA381997639.

ClinVar aggregate classification (germline): Uncertain significance (1 of 4 stars; one submission).

gnomAD v4.1: 4 of 1,613,154 alleles (0.00025%); highest among the groups gnomAD compares: Non-Finnish European, 0.00025%; no homozygotes.

Submission:

Labcorp Genetics (formerly Invitae), Labcorp
Classification: Uncertain significance. Last evaluated: 2021-09-01. Review status: criteria provided, single submitter. Criteria: Invitae Variant Classification Sherloc (09022015). Collection method: clinical testing. Allele origin: germline.
Comment: In summary, the available evidence is currently insufficient to determine the role of this variant in disease. Therefore, it has been classified as a Variant of Uncertain Significance. Algorithms developed to predict the effect of missense changes on protein structure and function are either unavailable or do not agree on the potential impact of this missense change (SIFT: "Tolerated"; PolyPhen-2: "Possibly Damaging"; Align-GVGD: "Class C0"). This variant has not been reported in the literature in individuals affected with TMEM126A-related conditions. This variant is not present in population databases (ExAC no frequency). This sequence change replaces leucine with phenylalanine at codon 164 of the TMEM126A protein (p.Leu164Phe). The leucine residue is moderately conserved and there is a small physicochemical difference between leucine and phenylalanine.